The following is an entry in ClinVar:

ClinVar aggregate classification (germline): Conflicting classifications of pathogenicity. Review status: criteria provided, conflicting classifications (1 of 4 stars). 4 submissions from 4 submitters: Uncertain significance (3); Likely benign (1). Last evaluated 2025-10-23.

Conditions:
Cardiovascular phenotype. Identifiers: MedGen CN230736.

Allele frequency attached by ClinVar (database versions not stated): gnomAD 0.00019 and 0.00021; TOPMed 0.00022; ExAC 0.00026.
gnomAD v4.1: 171 of 1,547,116 alleles (0.011%); highest among the groups gnomAD compares: Admixed American, 0.065%; no homozygotes.

Submissions (4):

Mayo Clinic Laboratories, Mayo Clinic
Classification: Uncertain significance. Last evaluated: 2025-10-23. Review status: criteria provided, single submitter. Criteria: ACMG Guidelines, 2015. Collection method: clinical testing. Allele origin: germline. Observed: 2 variant alleles.
Comment: BP4_moderate

Ambry Genetics
Classification: Likely benign for Cardiovascular phenotype. Last evaluated: 2023-07-19. Review status: criteria provided, single submitter. Criteria: Ambry Variant Classification Scheme 2023. Collection method: clinical testing. Allele origin: germline.

GeneDx
Classification: Uncertain significance. Last evaluated: 2023-03-28. Review status: criteria provided, single submitter. Criteria: GeneDx Variant Classification Process June 2021. Collection method: clinical testing. Allele origin: germline. Affected: yes.
Comment: In silico analysis supports that this missense variant does not alter protein structure/function; This variant is associated with the following publications: (PMID: 25097247)

Labcorp Genetics (formerly Invitae), Labcorp
Classification: Uncertain significance. Last evaluated: 2022-10-28. Review status: criteria provided, single submitter. Criteria: Invitae Variant Classification Sherloc (09022015). Collection method: clinical testing. Allele origin: germline.
Comment: This sequence change replaces glycine, which is neutral and non-polar, with arginine, which is basic and polar, at codon 3256 of the ZNF469 protein (p.Gly3256Arg). This variant is present in population databases (rs773064083, gnomAD 0.05%). This missense change has been observed in individual(s) with keratoconus (PMID: 25097247). ClinVar contains an entry for this variant (Variation ID: 419987). Algorithms developed to predict the effect of missense changes on protein structure and function output the following: SIFT: "Deleterious"; PolyPhen-2: "Benign"; Align-GVGD: "Class C0". The arginine amino acid residue is found in multiple mammalian species, which suggests that this missense change does not adversely affect protein function. In summary, the available evidence is currently insufficient to determine the role of this variant in disease. Therefore, it has been classified as a Variant of Uncertain Significance.

Literature cited by the submitters: PubMed 25097247 (cited by 3 submitters).

NM_001367624.2(ZNF469):c.9850G>A (p.Gly3284Arg)

Gene: ZNF469 (zinc finger protein 469; plus strand). Cytogenetic location: 16q24.2.
Variant type: single nucleotide variant.
Coding change: c.9850G>A on transcript NM_001367624.2 (MANE Select); coding-DNA position 9850, G replaced by A.
Protein change: p.Gly3284Arg; replaces glycine 3284 with arginine.
Molecular consequence: missense variant.
Genome position (GRCh38, 1-based): chr16:88,437,320, G>A. VCF-style: chr16-88437320-G-A. GRCh37 (hg19) VCF-style: chr16-88503728-G-A.
Other names: NM_001127464.1:c.9766G>A; p.Gly3284Arg; short protein forms G3284R.
Identifiers: ClinVar variation 419987 (VCV000419987.9), dbSNP rs773064083, ClinGen allele CA8225459.